The following is an entry in ClinVar:

NM_014324.6(AMACR):c.247+20G>A

Genes: C1QTNF3-AMACR (C1QTNF3-AMACR readthrough (NMD candidate); minus strand), AMACR (alpha-methylacyl-CoA racemase; minus strand). Cytogenetic location: 5p13.2.
Variant type: single nucleotide variant.
Coding change: c.247+20G>A on transcript NM_014324.6 (MANE Select); 20 bases into the intron after coding-DNA position 247, G replaced by A.
Molecular consequence: intron variant.
Genome position (GRCh38, 1-based): chr5:34,007,753, C>T on the plus strand (G>A on the coding strand, the complement: AMACR is on the minus strand). VCF-style: chr5-34007753-C-T. GRCh37 (hg19) VCF-style: chr5-34007858-C-T.
Other names: c.247+20G>A (NM_203382.3, NM_001167595.2).
Identifiers: ClinVar variation 381406 (VCV000381406.14), dbSNP rs9282595, ClinGen allele CA3226263.

ClinVar aggregate classification (germline): Benign. Review status: criteria provided, multiple submitters, no conflicts (2 of 4 stars). 4 submissions from 4 submitters: Benign (3). 1 of the submissions does not count toward it. Last evaluated 2026-02-03.

Conditions:
Alpha-methylacyl-CoA racemase deficiency (AMACRD). Also called: AMACR deficiency. Identifiers: Orphanet 79095, MedGen C3280428, MONDO:0013681, OMIM 614307. Disease mechanism: loss of function.

Allele frequency attached by ClinVar (database versions not stated): ExAC 0.04466; ESP Exome Variant Server 0.06144; 1000 Genomes Project 0.08706; gnomAD 0.08735 and 0.09385; 1000 Genomes Project 30x 0.09260; TOPMed 0.09827.
gnomAD v4.1: 25,227 of 1,534,840 alleles (1.6%); highest among the groups gnomAD compares: African/African-American, 31%; 3,603 homozygotes.

Submissions (4):

Labcorp Genetics (formerly Invitae), Labcorp
Classification: Benign for Alpha-methylacyl-CoA racemase deficiency. Last evaluated: 2026-02-03. Review status: criteria provided, single submitter. Criteria: Invitae Variant Classification Sherloc (09022015). Collection method: clinical testing. Allele origin: germline.

GeneDx
Classification: Benign. Last evaluated: 2015-12-10. Review status: criteria provided, single submitter. Criteria: GeneDx Variant Classification (06012015). Collection method: clinical testing. Allele origin: germline. Affected: yes.
Comment: This variant is considered likely benign or benign based on one or more of the following criteria: it is a conservative change, it occurs at a poorly conserved position in the protein, it is predicted to be benign by multiple in silico algorithms, and/or has population frequency not consistent with disease.

Breakthrough Genomics
Classification: Benign. Review status: criteria provided, single submitter. Criteria: ACMG Guidelines, 2015. Collection method: not provided. Allele origin: germline. Inheritance: Autosomal recessive inheritance. Affected: yes.

Mayo Clinic Laboratories, Mayo Clinic
Classification: Benign. Last evaluated: 2015-12-16. Review status: no assertion criteria provided. Collection method: clinical testing. Allele origin: unknown. Not counted in ClinVar's aggregate classification.